The following is an entry in ClinVar:

ClinVar aggregate classification (germline): Likely pathogenic. Review status: criteria provided, multiple submitters, no conflicts (2 of 4 stars). 2 submissions from 2 submitters: Likely pathogenic (2). Last evaluated 2025-01-27.

Conditions:
Dilated cardiomyopathy 1G (CMD1G). Identifiers: Orphanet 154, MedGen C1858763, MONDO:0011400, OMIM 604145.
Autosomal recessive limb-girdle muscular dystrophy type 2J (LGMDR10). Also called: MUSCULAR DYSTROPHY, LIMB-GIRDLE, AUTOSOMAL RECESSIVE 10; Limb-girdle muscular dystrophy, type 2J. Identifiers: Orphanet 140922, MedGen C1837342, MONDO:0012127, OMIM 608807.
Early-onset myopathy with fatal cardiomyopathy (CMYO5). Also called: Salih Myopathy; CONGENITAL MYOPATHY 5 WITH CARDIOMYOPATHY. Identifiers: Orphanet 289377, MedGen C2673677, MONDO:0012714, OMIM 611705. Disease mechanism: loss of function.
Hypertrophic cardiomyopathy 9. Also called: Familial hypertrophic cardiomyopathy 9. Identifiers: MedGen C1861065, MONDO:0013412, OMIM 613765.

Allele frequency attached by ClinVar (database versions not stated): gnomAD exomes below 0.00001; gnomAD 0.00001.
gnomAD v4.1: 4 of 1,612,420 alleles (0.00025%); highest among the groups gnomAD compares: South Asian, 0.0011%; no homozygotes.

Submissions (2):

Labcorp Genetics (formerly Invitae), Labcorp
Classification: Likely pathogenic for Dilated cardiomyopathy 1G; Autosomal recessive limb-girdle muscular dystrophy type 2J. Last evaluated: 2025-01-27. Review status: criteria provided, single submitter. Criteria: Invitae Variant Classification Sherloc (09022015). Collection method: clinical testing. Allele origin: germline.
Comment: This sequence change creates a premature translational stop signal (p.Arg9955*) in the TTN gene. While this is not anticipated to result in nonsense mediated decay, it is expected to create a truncated TTN protein. This variant is not present in population databases (gnomAD no frequency). This premature translational stop signal has been observed in individual(s) with dilated cardiomyopathy (PMID: 32880476). ClinVar contains an entry for this variant (Variation ID: 2672152). Algorithms developed to predict the effect of sequence changes on RNA splicing suggest that this variant may disrupt the consensus splice site. This variant is located in the I band of TTN (PMID: 25589632). Truncating variants in this region have been reported in individuals affected with autosomal recessive centronuclear myopathy (PMID: 23975875, internal data). Truncating variants in this region have also been identified in individuals affected with autosomal dominant dilated cardiomyopathy and/or cardio-related conditions (PMID: 27869827, 32964742, internal data). In summary, the currently available evidence indicates that the variant is pathogenic, but additional data are needed to prove that conclusively. Therefore, this variant has been classified as Likely Pathogenic.

Clinical Genomics Laboratory, Washington University in St. Louis
Classification: Likely pathogenic for Autosomal recessive limb-girdle muscular dystrophy type 2J; Dilated cardiomyopathy 1G; Early-onset myopathy with fatal cardiomyopathy; Hypertrophic cardiomyopathy 9. Last evaluated: 2023-07-03. Review status: criteria provided, single submitter. Criteria: ACMG Guidelines, 2015. Collection method: clinical testing. Allele origin: germline.
Comment: The TTN c.29863C>T (p.Arg9955*) variant has been reported in 2 individuals affected with dilated cardiomyopathy or had left ventricular findings on echocardiogram (Haggerty CM et al., PMID: 31216868; Verdonschot JAJ et al. PMID: 32880476). This variant is absent from the general population (gnomAD v.2.1.1), indicating it is not a common variant. This variant causes a premature termination codon, which is predicted to lead to nonsense mediated decay. Based on available information and the ACMG/AMP guidelines for variant interpretation (Richards S et al., PMID: 25741868), this variant is classified as likely pathogenic.

Literature cited by the submitters: PubMed 32880476 (cited by Labcorp Genetics (formerly Invitae), Labcorp); PubMed 25589632 (cited by Labcorp Genetics (formerly Invitae), Labcorp); PubMed 23975875 (cited by Labcorp Genetics (formerly Invitae), Labcorp); PubMed 27869827 (cited by Labcorp Genetics (formerly Invitae), Labcorp); PubMed 32964742 (cited by Labcorp Genetics (formerly Invitae), Labcorp).

NM_001267550.2(TTN):c.29863C>T (p.Arg9955Ter)

Gene: TTN (titin; minus strand). Cytogenetic location: 2q31.2.
Variant type: single nucleotide variant.
Coding change: c.29863C>T on transcript NM_001267550.2 (MANE Select); coding-DNA position 29863, C replaced by T.
Protein change: p.Arg9955Ter; replaces arginine 9955 with a stop codon.
Molecular consequence: nonsense. On other transcripts: intron variant (3).
Genome position (GRCh38, 1-based): chr2:178,704,609, G>A on the plus strand (C>T on the coding strand, the complement: TTN is on the minus strand). VCF-style: chr2-178704609-G-A. GRCh37 (hg19) VCF-style: chr2-179569336-G-A.
Other names: c.28912C>T, p.Arg9638Ter (NM_001256850.1); c.26131C>T, p.Arg8711Ter (NM_133378.4); c.13282+33473C>T (NM_003319.4); c.13858+33473C>T (NM_133437.4); c.13657+33473C>T (NM_133432.3); short protein forms R8711*, R9638*, R9955*.
Identifiers: ClinVar variation 2672152 (VCV002672152.4), dbSNP rs2075564475, ClinGen allele CA349577634.